The following is an entry in ClinVar:

ClinVar aggregate classification (germline): Uncertain significance. Review status: criteria provided, multiple submitters, no conflicts (2 of 4 stars). 3 submissions from 3 submitters: Uncertain significance (3). Last evaluated 2025-10-29.

Conditions:
Neuroblastoma, susceptibility to, 3. Also called: ALK-Related Neuroblastic Tumor Susceptibility. Identifiers: Orphanet 635, MedGen C2751681, MONDO:0013083, OMIM 613014.
Hereditary cancer-predisposing syndrome. Also called: Neoplastic Syndromes, Hereditary; Tumor predisposition; Hereditary Cancer Syndrome; Hereditary neoplastic syndrome. Identifiers: Orphanet 140162, MedGen C0027672, MeSH D009386, MONDO:0015356.

Submissions (3):

Labcorp Genetics (formerly Invitae), Labcorp
Classification: Uncertain significance for Neuroblastoma, susceptibility to, 3. Last evaluated: 2025-10-29. Review status: criteria provided, single submitter. Criteria: Invitae Variant Classification Sherloc (09022015). Collection method: clinical testing. Allele origin: germline.
Comment: This sequence change replaces phenylalanine, which is neutral and non-polar, with serine, which is neutral and polar, at codon 1207 of the ALK protein (p.Phe1207Ser). This variant is not present in population databases (gnomAD no frequency). This variant has not been reported in the literature in individuals affected with ALK-related conditions. ClinVar contains an entry for this variant (Variation ID: 1733322). An algorithm developed to predict the effect of missense changes on protein structure and function (PolyPhen-2) suggests that this variant is likely to be disruptive. In summary, the available evidence is currently insufficient to determine the role of this variant in disease. Therefore, it has been classified as a Variant of Uncertain Significance.

Ambry Genetics
Classification: Uncertain significance for Hereditary cancer-predisposing syndrome. Last evaluated: 2024-11-15. Review status: criteria provided, single submitter. Criteria: Ambry Variant Classification Scheme 2023. Collection method: clinical testing. Allele origin: germline.
Comment: The p.F1207S variant (also known as c.3620T>C), located in coding exon 23 of the ALK gene, results from a T to C substitution at nucleotide position 3620. The phenylalanine at codon 1207 is replaced by serine, an amino acid with highly dissimilar properties. This amino acid position is highly conserved in available vertebrate species. In addition, this alteration is predicted to be deleterious by in silico analysis. Since supporting evidence is limited at this time, the clinical significance of this alteration remains unclear.

Baylor Genetics
Classification: Uncertain significance for Neuroblastoma, susceptibility to, 3. Last evaluated: 2024-02-23. Review status: criteria provided, single submitter. Criteria: ACMG Guidelines, 2015. Collection method: clinical testing. Allele origin: unknown.

NM_004304.5(ALK):c.3620T>C (p.Phe1207Ser)

Gene: ALK (ALK receptor tyrosine kinase; minus strand). Cytogenetic location: 2p23.2.
Variant type: single nucleotide variant.
Coding change: c.3620T>C on transcript NM_004304.5 (MANE Select); coding-DNA position 3620, T replaced by C.
Protein change: p.Phe1207Ser; replaces phenylalanine 1207 with serine.
Molecular consequence: missense variant.
Genome position (GRCh38, 1-based): chr2:29,220,731, A>G on the plus strand (T>C on the coding strand, the complement: ALK is on the minus strand). VCF-style: chr2-29220731-A-G. GRCh37 (hg19) VCF-style: chr2-29443597-A-G.
Other names: c.416T>C, p.Phe139Ser (NM_001353765.2); short protein forms F1207S, F139S.
Identifiers: ClinVar variation 1733322 (VCV001733322.6), dbSNP rs2148166371, ClinGen allele CA346472991.
Genomic context (GRCh38, chr2:29,220,731, plus strand): 5'-CACAACAACTGCAGCAAAGACTGGTTCTCACTCACCGGGCGAGGGCGGGTCTCTCGGAGG[A>G]AGGACTTGAGGTCTCCCCCCGCCATGAGCTCCAGCAGGATGAACCGGGGCAGGGATTGCA-3'
Protein context (NP_004295.2, residues 1197-1217): ELMAGGDLKS[Phe1207Ser]LRETRPRPSQ